The following is an entry in ClinVar:

NM_000352.6(ABCC8):c.2557G>A (p.Asp853Asn)

Gene: ABCC8 (ATP binding cassette subfamily C member 8; minus strand). Cytogenetic location: 11p15.1.
Variant type: single nucleotide variant.
Coding change: c.2557G>A on transcript NM_000352.6 (MANE Select); coding-DNA position 2557, G replaced by A.
Protein change: p.Asp853Asn; replaces aspartic acid 853 with asparagine.
Molecular consequence: missense variant. On other transcripts: non-coding transcript variant (1).
Genome position (GRCh38, 1-based): chr11:17,410,653, C>T on the plus strand (G>A on the coding strand, the complement: ABCC8 is on the minus strand). VCF-style: chr11-17410653-C-T. GRCh37 (hg19) VCF-style: chr11-17432200-C-T.
Other names: c.2560G>A, p.Asp854Asn (NM_001287174.3); c.2623G>A, p.Asp875Asn (NM_001351295.2); c.2557G>A, p.Asp853Asn (NM_001351296.2); c.2554G>A, p.Asp852Asn (NM_001351297.2); short protein forms D852N, D853N, D854N, D875N.
Identifiers: ClinVar variation 977924 (VCV000977924.6), dbSNP rs1954765607, ClinGen allele CA379806753.
Genomic context (GRCh38, chr11:17,410,653, plus strand): 5'-GGATGCCGGCCTGCATTAAGTGGTCACTCAGATGGATATCCAGAGCTGAGAAGGGGTCAT[C>T]CTGGGCAGAAGGGAGAGGAAGAGAGTAGAGGGTAGGGAAAGGCATGGTGGGGAGGGGTGA-3'
Protein context (NP_000343.2, residues 843-863): LYQHANVVFL[Asp853Asn]DPFSALDIHL

ClinVar aggregate classification (germline): Conflicting classifications of pathogenicity. Review status: criteria provided, conflicting classifications (1 of 4 stars). 3 submissions from 2 submitters: Pathogenic (1); Uncertain significance (2). Last evaluated 2020-06-06.

Conditions:
Transitory neonatal diabetes mellitus. Also called: Transient neonatal diabetes mellitus. Identifiers: MedGen C0342273, MONDO:0020525, HP:0008255.
Hyperinsulinemic hypoglycemia, familial, 1 (HHF1). Also called: Persistent hyperinsulinemic hypoglycemia of infancy; Persistent Hyperinsulinemia Hypoglycemia of Infancy; HYPERINSULINISM, FAMILIAL, WITH PANCREATIC NESIDIOBLASTOSIS; HYPOGLYCEMIA, HYPERINSULINEMIC, OF INFANCY; NESIDIOBLASTOSIS OF PANCREAS. Identifiers: Orphanet 276575, Orphanet 276598, MedGen C2931832, MONDO:0009734, OMIM 256450.
Maturity-onset diabetes of the young (MODY). Also called: Maturity onset diabetes mellitus in young. Identifiers: Orphanet 552, MedGen C0342276, MONDO:0018911, HP:0004904.

Allele frequency attached by ClinVar (database versions not stated): gnomAD exomes below 0.00001.
gnomAD v4.1: 1 of 1,614,024 alleles (0.000062%); highest among the groups gnomAD compares: Non-Finnish European, 0.000085%; no homozygotes.

Submissions (3):

Diagnostics Services (NGS), CSIR - Centre For Cellular And Molecular Biology
Classification: Pathogenic for Hyperinsulinemic hypoglycemia, familial, 1. Last evaluated: 2020-06-06. Review status: criteria provided, single submitter. Criteria: ACMG Guidelines, 2015. Collection method: clinical testing. Allele origin: germline. Inheritance: Autosomal recessive inheritance. Affected: yes. Observed: 1 homozygote.
Comment: The c.2557G>A variant is not present in publicly available population databases like 1000 Genomes, Exome Variant Server (EVS), Exome Aggregation Consortium (ExAC), Genome Aggregation Database (gnomAD) and dbSNP. The variant is not present in our in-house exome database. The variant was not reported to ClinVar, Human Genome Mutation Database database (HGMD) and OMIM databases in any affected individuals. In-silico pathogenicity prediction programs like SIFT, Polyphen2, MutationTaster2, CADD etc. predicted this variant to be likely deleterious. The variant occurs in the early exonic positions (first nucleotide of exon 22) and can potentially affect the splicing as predicted also by online program Human Splicing Finder version 3.1 (HSF3.1). The variants meets the criteria of ACMG guidelines to be classified as 'Pathogenic'.

Clinical Genomics, Uppaluri K&H Personalized Medicine Clinic
Classification: Uncertain significance for Maturity-onset diabetes of the young. Review status: criteria provided, single submitter. Criteria: K & H Uppaluri Personalized Medicine Clinic Variant Classification & Assertion Criteria_Updated V.1. Collection method: research. Allele origin: unknown. Inheritance: Somatic mutation.
Comment: Mutations in ABCC8 gene are associated with both neonatal diabetes mellitus as well as MODY. Patients with this mutation may have a better response to sulfonylureas. However, no sufficient evidence is found to ascertain the role of this particular variant ( rs1954765607) in MODY yet.

Clinical Genomics, Uppaluri K&H Personalized Medicine Clinic
Classification: Uncertain significance for Transitory neonatal diabetes mellitus. Review status: criteria provided, single submitter. Criteria: K & H Uppaluri Personalized Medicine Clinic Variant Classification & Assertion Criteria_Updated V.1. Collection method: research. Allele origin: unknown. Inheritance: Somatic mutation.
Comment: Mutations in ABCC8 gene are associated with both neonatal diabetes mellitus as well as MODY. Patients with this mutation may have a better response to sulfonylureas. However, no sufficient evidence is found to ascertain the role of this particular variant ( rs1954765607) in neonatal diabetes yet.

Literature cited by the submitters: PubMed 16885549 (cited by Clinical Genomics, Uppaluri K&H Personalized Medicine Clinic); PubMed 21989597 (cited by Clinical Genomics, Uppaluri K&H Personalized Medicine Clinic); PubMed 27538677 (cited by Clinical Genomics, Uppaluri K&H Personalized Medicine Clinic); PubMed 18981553 (cited by Clinical Genomics, Uppaluri K&H Personalized Medicine Clinic); PubMed 32027066 (cited by Clinical Genomics, Uppaluri K&H Personalized Medicine Clinic); PubMed 16613899 (cited by Clinical Genomics, Uppaluri K&H Personalized Medicine Clinic); PubMed 18025408 (cited by Clinical Genomics, Uppaluri K&H Personalized Medicine Clinic); PubMed 32792356 (cited by Clinical Genomics, Uppaluri K&H Personalized Medicine Clinic).